The following is an entry in ClinVar:

ClinVar aggregate classification (germline): Conflicting classifications of pathogenicity. Review status: criteria provided, conflicting classifications (1 of 4 stars). 3 submissions from 3 submitters: Uncertain significance (1); Likely benign (2). Last evaluated 2024-08-12.

Conditions:
Hereditary cancer-predisposing syndrome. Also called: Hereditary Cancer Syndrome; Hereditary neoplastic syndrome; Neoplastic Syndromes, Hereditary; Tumor predisposition. Identifiers: Orphanet 140162, MedGen C0027672, MeSH D009386, MONDO:0015356.

Submissions (3):

Ambry Genetics
Classification: Likely benign for Hereditary cancer-predisposing syndrome. Last evaluated: 2024-08-12. Review status: criteria provided, single submitter. Criteria: Ambry Variant Classification Scheme 2023. Collection method: clinical testing. Allele origin: germline.

Labcorp Genetics (formerly Invitae), Labcorp
Classification: Likely benign. Last evaluated: 2023-11-05. Review status: criteria provided, single submitter. Criteria: Invitae Variant Classification Sherloc (09022015). Collection method: clinical testing. Allele origin: germline.

Sema4
Classification: Uncertain significance for Hereditary cancer-predisposing syndrome. Last evaluated: 2021-07-15. Review status: criteria provided, single submitter. Criteria: Sema4 Curation Guidelines. Collection method: curation. Allele origin: germline.
Comment: The MSH3 c.966A>G (p.R322=) variant has not been reported in the literature to our knowledge. It was not observed in the large and broad cohorts of the Genome Aggregation Database (PMID: 32461654). The variant has not been reported in ClinVar. In silico tools suggest the nucleotide is conserved and that the variant does not have an impact on splicing though these predictions have not been confirmed by functional studies. The evidence is insufficient to meet ACMG/AMP criteria for classifying the variant as benign or pathogenic. Thus, the clinical significance of this variant is currently uncertain.

NM_002439.5(MSH3):c.966A>G (p.Arg322=)

Genes: MSH3 (mutS homolog 3; plus strand), LOC126807437 (MED14-independent group 3 enhancer GRCh37_chr5:79968379-79969578; plus strand). Cytogenetic location: 5q14.1.
Variant type: single nucleotide variant.
Coding change: c.966A>G on transcript NM_002439.5 (MANE Select); coding-DNA position 966, A replaced by G.
Protein change: p.Arg322=; no amino-acid change (arginine 322 retained).
Molecular consequence: synonymous variant.
Genome position (GRCh38, 1-based): chr5:80,672,797, A>G. VCF-style: chr5-80672797-A-G. GRCh37 (hg19) VCF-style: chr5-79968616-A-G.
Other names: c.966A>G (NM_002439.3).
Identifiers: ClinVar variation 1692676 (VCV001692676.7), dbSNP rs2112814290, ClinGen allele CA445158941.
Genomic context (GRCh38, chr5:80,672,797, plus strand): 5'-GAAGGTGGGAGTTGTGAAGCAAACTGAAACTGCAGCATTAAAGGCCATTGGAGACAACAG[A>G]AGTTCACTCTTTTCCCGGAAATTGACTGCCCTTTATACAAAATCTACACTTATTGGAGAA-3'
Protein context (NP_002430.3, residues 312-332): TAALKAIGDN[Arg322=]SSLFSRKLTA